The following is an entry in ClinVar:

NM_004612.4(TGFBR1):c.806A>G (p.Asp269Gly)

Gene: TGFBR1 (transforming growth factor beta receptor 1; plus strand). Cytogenetic location: 9q22.33.
Variant type: single nucleotide variant.
Coding change: c.806A>G on transcript NM_004612.4 (MANE Select); coding-DNA position 806, A replaced by G.
Protein change: p.Asp269Gly; replaces aspartic acid 269 with glycine.
Molecular consequence: missense variant. On other transcripts: non-coding transcript variant (4), intron variant (2).
Genome position (GRCh38, 1-based): chr9:99,142,536, A>G. VCF-style: chr9-99142536-A-G. GRCh37 (hg19) VCF-style: chr9-101904818-A-G.
Other names: c.575A>G, p.Asp192Gly (NM_001130916.3, NM_001407435.1); c.818A>G, p.Asp273Gly (NM_001306210.2); c.611A>G, p.Asp204Gly (NM_001407418.1, NM_001407419.1, NM_001407420.1 and 1 more transcripts); c.599A>G, p.Asp200Gly (NM_001407423.1, NM_001407424.1, NM_001407425.1 and 8 more transcripts); c.560A>G, p.Asp187Gly (NM_001407436.1); c.98A>G, p.Asp33Gly (NM_001407437.1); c.329A>G, p.Asp110Gly (NM_001407438.1); c.818-2196A>G (NM_001407416.1); and 1 more; short protein forms D200G, D273G, D33G, D192G, D204G, D187G, D269G, D110G.
Identifiers: ClinVar variation 2853669 (VCV002853669.4), dbSNP rs2490222462, ClinGen allele CA374230484.
Genomic context (GRCh38, chr9:99,142,536, plus strand): 5'-TTGAACAAATAAATCATAAATGGTCTGCAGCCCAACCGAAATGTTAATTCTGTTTTACAG[A>G]CAATGGTACTTGGACTCAGCTCTGGTTGGTGTCAGATTATCATGAGCATGGATCCCTTTT-3'
Protein context (NP_004603.1, residues 259-279): ILGFIAADNK[Asp269Gly]NGTWTQLWLV

ClinVar aggregate classification (germline): Conflicting classifications of pathogenicity. Review status: criteria provided, conflicting classifications (1 of 4 stars). 2 submissions from 2 submitters: Likely pathogenic (1); Uncertain significance (1). Last evaluated 2024-09-06.

Conditions:
Familial thoracic aortic aneurysm and aortic dissection (TAAD). Also called: Thoracic aortic aneurysms and dissections. Identifiers: Orphanet 91387, MedGen C4707243, MONDO:0019625.

Submissions (2):

Centre of Medical Genetics, University of Antwerp
Classification: Likely pathogenic for Familial thoracic aortic aneurysm and aortic dissection. Last evaluated: 2024-09-06. Review status: criteria provided, single submitter. Criteria: ACMG Guidelines, 2015. Collection method: clinical testing. Allele origin: germline. Affected: yes.
Comment: LP(PS2; PM2; PP2-3)

Labcorp Genetics (formerly Invitae), Labcorp
Classification: Uncertain significance for Familial thoracic aortic aneurysm and aortic dissection. Last evaluated: 2023-04-08. Review status: criteria provided, single submitter. Criteria: Invitae Variant Classification Sherloc (09022015). Collection method: clinical testing. Allele origin: germline.
Comment: This sequence change replaces aspartic acid, which is acidic and polar, with glycine, which is neutral and non-polar, at codon 269 of the TGFBR1 protein (p.Asp269Gly). This variant is not present in population databases (gnomAD no frequency). This variant has not been reported in the literature in individuals affected with TGFBR1-related conditions. An algorithm developed to predict the effect of missense changes on protein structure and function (PolyPhen-2) suggests that this variant is likely to be disruptive. In summary, the available evidence is currently insufficient to determine the role of this variant in disease. Therefore, it has been classified as a Variant of Uncertain Significance.